The following is an entry in ClinVar:

ClinVar aggregate classification (germline): Uncertain significance (1 of 4 stars; one submission).

Allele frequency attached by ClinVar (database versions not stated): gnomAD exomes 0.00001; TOPMed 0.00001; ExAC 0.00001; gnomAD 0.00001.
gnomAD v4.1: 16 of 1,613,708 alleles (0.00099%); highest among the groups gnomAD compares: Middle Eastern, 0.033%; no homozygotes.

Submission:

Labcorp Genetics (formerly Invitae), Labcorp
Classification: Uncertain significance. Last evaluated: 2025-09-02. Review status: criteria provided, single submitter. Criteria: Invitae Variant Classification Sherloc (09022015). Collection method: clinical testing. Allele origin: germline.
Comment: This sequence change replaces glycine, which is neutral and non-polar, with arginine, which is basic and polar, at codon 1021 of the ASXL2 protein (p.Gly1021Arg). This variant is present in population databases (rs755921418, gnomAD 0.007%). This variant has not been reported in the literature in individuals affected with ASXL2-related conditions. ClinVar contains an entry for this variant (Variation ID: 1401775). Invitae Evidence Modeling of protein sequence and biophysical properties (such as structural, functional, and spatial information, amino acid conservation, physicochemical variation, residue mobility, and thermodynamic stability) indicates that this missense variant is not expected to disrupt ASXL2 protein function with a negative predictive value of 80%. In summary, the available evidence is currently insufficient to determine the role of this variant in disease. Therefore, it has been classified as a Variant of Uncertain Significance.

NM_018263.6(ASXL2):c.3061G>C (p.Gly1021Arg)

Gene: ASXL2 (ASXL transcriptional regulator 2; minus strand). Cytogenetic location: 2p23.3.
Variant type: single nucleotide variant.
Coding change: c.3061G>C on transcript NM_018263.6 (MANE Select); coding-DNA position 3061, G replaced by C.
Protein change: p.Gly1021Arg; replaces glycine 1021 with arginine.
Molecular consequence: missense variant.
Genome position (GRCh38, 1-based): chr2:25,743,276, C>G on the plus strand (G>C on the coding strand, the complement: ASXL2 is on the minus strand). VCF-style: chr2-25743276-C-G. GRCh37 (hg19) VCF-style: chr2-25966145-C-G.
Other names: c.2887G>C, p.Gly963Arg (NM_001369346.1); c.2281G>C, p.Gly761Arg (NM_001369347.1); short protein forms G1021R, G761R, G963R.
Identifiers: ClinVar variation 1401775 (VCV001401775.8), dbSNP rs755921418, ClinGen allele CA1557536.
Genomic context (GRCh38, chr2:25,743,276, plus strand): 5'-CTGAAAAGAGCTGAAGGGGCCTTGGAACCTGGGGGAGCTGCTTACTTTGCAAGGTTTTGC[C>G]CAGCTGCTGCTGCGTAGCTGGATGGGACTGTCTCTCATTAACTTCCTCTCTGGTGCTATT-3'
Protein context (NP_060733.4, residues 1011-1031): QSHPATQQQL[Gly1021Arg]KTLQSKQLPQ